The following is an entry in ClinVar:

NM_000218.3(KCNQ1):c.922-2A>G

Gene: KCNQ1 (potassium voltage-gated channel subfamily Q member 1; plus strand). Cytogenetic location: 11p15.5.
Variant type: single nucleotide variant.
Coding change: c.922-2A>G on transcript NM_000218.3 (MANE Select); the canonical splice acceptor site of the intron before coding-DNA position 922, A replaced by G.
Molecular consequence: splice acceptor variant.
Genome position (GRCh38, 1-based): chr11:2,583,433, A>G. VCF-style: chr11-2583433-A-G. GRCh37 (hg19) VCF-style: chr11-2604663-A-G.
Other names: c.652-2A>G (NM_001406837.1); c.922-2A>G (NM_001406836.1); c.478-2A>G (NM_001406838.1); c.541-2A>G (NM_181798.2).
Identifiers: ClinVar variation 582668 (VCV000582668.10), dbSNP rs397508133, ClinGen allele CA379132948.

ClinVar aggregate classification (germline): Pathogenic (1 of 4 stars; one submission).

Conditions:
Long QT syndrome (LQTS). Identifiers: MedGen C0023976, MeSH D008133, MONDO:0002442. Disease mechanism: loss of function. Inheritance: Various modes of inheritance.

Submission:

Labcorp Genetics (formerly Invitae), Labcorp
Classification: Pathogenic for Long QT syndrome. Last evaluated: 2022-10-28. Review status: criteria provided, single submitter. Criteria: Invitae Variant Classification Sherloc (09022015). Collection method: clinical testing. Allele origin: germline.
Comment: Studies have shown that disruption of this splice site results in skipping of skipping of exons 7 and 8 (also referred to as exons 6 and 7), but is expected to preserve the integrity of the reading-frame (PMID: 10477533). ClinVar contains an entry for this variant (Variation ID: 582668). Disruption of this splice site has been observed in individuals with clinical features of long QT syndrome (PMID: 10477533, 26669661; Invitae). This variant is not present in population databases (gnomAD no frequency). This sequence change affects an acceptor splice site in intron 6 of the KCNQ1 gene. RNA analysis indicates that disruption of this splice site induces altered splicing and likely results in a shortened protein product. For these reasons, this variant has been classified as Pathogenic.

Literature cited by the submitters: PubMed 10477533; PubMed 26669661.